The following is an entry in ClinVar:

NM_001009944.3(PKD1):c.12215_12216del (p.Ser4072fs)

Gene: PKD1 (polycystin 1, transient receptor potential channel interacting; minus strand). Cytogenetic location: 16p13.3.
Variant type: Microsatellite.
Coding change: c.12215_12216del on transcript NM_001009944.3 (MANE Select); coding-DNA positions 12215 to 12216, 2 bases deleted (CT; older notation c.12215_12216delCT).
Protein change: p.Ser4072fs; shifts the reading frame from serine 4072.
Molecular consequence: frameshift variant.
Genome position (GRCh38, 1-based): chr16:2,090,513-2,090,514, AG deleted on the plus strand (CT on the coding strand, the reverse complement: PKD1 is on the minus strand); deleting any 2 consecutive bases within chr16:2,090,513-2,090,518 gives the same sequence; the c. name uses the placement nearest the transcript's 3' end. VCF-style (leftmost placement, unchanged base first): chr16-2090512-TAG-T. GRCh37 (hg19) VCF-style: chr16-2140513-TAG-T.
Other names: c.12212_12213del, p.Ser4071fs (NM_000296.4); short protein forms S4071fs, S4072fs.
Identifiers: ClinVar variation 2572645 (VCV002572645.5), dbSNP rs2544588372, ClinGen allele CA2580612738.

ClinVar aggregate classification (germline): Pathogenic/Likely pathogenic. Review status: criteria provided, multiple submitters, no conflicts (2 of 4 stars). 4 submissions from 4 submitters: Pathogenic (3); Likely pathogenic (1). Last evaluated 2026-01-26.

Conditions:
Polycystic kidney disease, adult type (PKD1). Also called: POLYCYSTIC KIDNEY DISEASE 1 WITH OR WITHOUT POLYCYSTIC LIVER DISEASE; Polycystic Kidney Disease 1, Autosomal Dominant; Polycystic kidney disease 1; Polycystic kidney disease 1, severe; Polycystic Kidney, Autosomal Dominant; POLYCYSTIC KIDNEY DISEASE, ADULT, TYPE I. Identifiers: MedGen C3149841, MONDO:0008263, OMIM 173900.

Submissions (4):

Medical and Scientific Branch, Hong Kong Genome Institute
Classification: Pathogenic for Polycystic kidney disease, adult type. Last evaluated: 2026-01-26. Review status: criteria provided, single submitter. Criteria: ACMG Guidelines, 2015. Collection method: clinical testing. Allele origin: unknown. Affected: yes.

Laboratory of Medical Genetics, National & Kapodistrian University of Athens
Classification: Likely pathogenic for Polycystic kidney disease, adult type. Last evaluated: 2023-02-06. Review status: criteria provided, single submitter. Criteria: ACMG Guidelines, 2015. Collection method: clinical testing. Allele origin: germline. Affected: yes.
Comment: PVS1, PM2

Department of Pathology and Laboratory Medicine, Sinai Health System
Classification: Pathogenic for Polycystic kidney disease, adult type. Last evaluated: 2021-06-03. Review status: criteria provided, single submitter. Criteria: ACMG Guidelines, 2015. Collection method: clinical testing. Allele origin: germline. Affected: yes.

Juno Genomics, Hangzhou Juno Genomics, Inc
Classification: Pathogenic for Polycystic kidney disease, adult type. Review status: criteria provided, single submitter. Criteria: ACMG Guidelines, 2015. Collection method: clinical testing. Allele origin: germline. Affected: yes.
Comment: Absent from controls (or at extremely low frequency if recessive) in Genome Aggregation Database, Exome Sequencing Project, 1000 Genomes Project, or Exome Aggregation Consortium.;Null variant in a gene where loss of function (LOF) is a known mechanism of disease.;The prevalence of the variant in affected individuals is significantly increased compared to the prevalence in controls.;Patient's phenotype or family history is highly specific for a disease with a single genetic etiology.

Literature cited by the submitters: PubMed 22508176 (cited by Department of Pathology and Laboratory Medicine, Sinai Health System).